The following is an entry in ClinVar:

ClinVar aggregate classification (germline): Uncertain significance (1 of 4 stars; one submission).

Submission:

GeneDx
Classification: Uncertain significance. Last evaluated: 2023-11-16. Review status: criteria provided, single submitter. Criteria: GeneDx Variant Classification Process June 2021. Collection method: clinical testing. Allele origin: germline. Affected: yes.
Comment: Not observed at significant frequency in large population cohorts (gnomAD); In silico analysis supports that this missense variant does not alter protein structure/function; Has not been previously published as pathogenic or benign to our knowledge

NM_004621.6(TRPC6):c.2351T>C (p.Ile784Thr)

Gene: TRPC6 (transient receptor potential cation channel subfamily C member 6; minus strand). Cytogenetic location: 11q22.1.
Variant type: single nucleotide variant.
Coding change: c.2351T>C on transcript NM_004621.6 (MANE Select); coding-DNA position 2351, T replaced by C.
Protein change: p.Ile784Thr; replaces isoleucine 784 with threonine.
Molecular consequence: missense variant.
Genome position (GRCh38, 1-based): chr11:101,471,241, A>G on the plus strand (T>C on the coding strand, the complement: TRPC6 is on the minus strand). VCF-style: chr11-101471241-A-G. GRCh37 (hg19) VCF-style: chr11-101341972-A-G.
Other names: short protein forms I784T.
Identifiers: ClinVar variation 3364455 (VCV003364455.1).